The following is an entry in ClinVar:

NM_201384.3(PLEC):c.1020G>C (p.Lys340Asn)

Gene: PLEC (plectin; minus strand). Cytogenetic location: 8q24.3.
Variant type: single nucleotide variant.
Coding change: c.1020G>C on transcript NM_201384.3 (MANE Select); coding-DNA position 1020, G replaced by C.
Protein change: p.Lys340Asn; replaces lysine 340 with asparagine.
Molecular consequence: missense variant.
Genome position (GRCh38, 1-based): chr8:143,934,656, C>G on the plus strand (G>C on the coding strand, the complement: PLEC is on the minus strand). VCF-style: chr8-143934656-C-G. GRCh37 (hg19) VCF-style: chr8-145008824-C-G.
Other names: c.1101G>C, p.Lys367Asn (NM_000445.5, NM_001410941.1); c.978G>C, p.Lys326Asn (NM_201378.4); c.954G>C, p.Lys318Asn (NM_201379.3); c.1431G>C, p.Lys477Asn (NM_201380.4); c.924G>C, p.Lys308Asn (NM_201381.3); c.1020G>C, p.Lys340Asn (NM_201382.4); c.1032G>C, p.Lys344Asn (NM_201383.3); short protein forms K326N, K477N, K308N, K318N, K340N, K344N, K367N.
Identifiers: ClinVar variation 2943830 (VCV002943830.3), dbSNP rs782781870, ClinGen allele CA4928217.
Genomic context (GRCh38, chr8:143,934,656, plus strand): 5'-TTCCAGGACACCACCCACCCCTCCAGCGGTCCCACTCACCTCCAGGGATTGGTAGATGCC[C>G]TTGGACCTGTTCTTGTCGGCCTCCTTGGCTGGTAGCTCCATCTCCTTAAACTTCAGGAAC-3'
Protein context (NP_958786.1, residues 330-350): PAKEADKNRS[Lys340Asn]GIYQSLEGAV

ClinVar aggregate classification (germline): Uncertain significance (1 of 4 stars; one submission).

Conditions:
Epidermolysis bullosa simplex with nail dystrophy (EBS5D). Identifiers: MedGen C4225309, MONDO:0014661, OMIM 616487.
Epidermolysis bullosa simplex, Ogna type (EBS5A). Also called: Pidermolysis bullosa simplex 5A, Ogna type; EPIDERMOLYSIS BULLOSA SIMPLEX 5A, OGNA TYPE. Identifiers: Orphanet 79401, MedGen C0432317, MONDO:0007555, OMIM 131950.
Autosomal recessive limb-girdle muscular dystrophy type 2Q (LGMDR17). Also called: MUSCULAR DYSTROPHY, LIMB-GIRDLE, AUTOSOMAL RECESSIVE 17. Identifiers: Orphanet 254361, MedGen C3150989, MONDO:0013390, OMIM 613723.
Epidermolysis bullosa simplex 5B, with muscular dystrophy (EBS5B). Also called: EPIDERMOLYSIS BULLOSA SIMPLEX AND LIMB-GIRDLE MUSCULAR DYSTROPHY; Epidermolysis bullosa simplex with muscular dystrophy. Identifiers: Orphanet 257, MedGen C2931072, MONDO:0009181, OMIM 226670.
Epidermolysis bullosa simplex 5C, with pyloric atresia (EBS5C). Also called: PLEC-Related Epidermolysis Bullosa with Pyloric Atresia; Epidermolysis bullosa simplex with pyloric atresia; PLEC1-Related Epidermolysis Bullosa with Pyloric Atresia. Identifiers: Orphanet 158684, MedGen C2677349, MONDO:0012807, OMIM 612138.

Allele frequency attached by ClinVar (database versions not stated): ExAC 0.00001; gnomAD 0.00003.
gnomAD v4.1: 20 of 1,613,166 alleles (0.0012%); highest among the groups gnomAD compares: Non-Finnish European, 0.0014%; no homozygotes.

Submission:

Labcorp Genetics (formerly Invitae), Labcorp
Classification: Uncertain significance for Autosomal recessive limb-girdle muscular dystrophy type 2Q; Epidermolysis bullosa simplex, Ogna type; Epidermolysis bullosa simplex with nail dystrophy; Epidermolysis bullosa simplex 5C, with pyloric atresia; Epidermolysis bullosa simplex 5B, with muscular dystrophy. Last evaluated: 2023-07-17. Review status: criteria provided, single submitter. Criteria: Invitae Variant Classification Sherloc (09022015). Collection method: clinical testing. Allele origin: germline.
Comment: This sequence change replaces lysine, which is basic and polar, with asparagine, which is neutral and polar, at codon 367 of the PLEC protein (p.Lys367Asn). In summary, the available evidence is currently insufficient to determine the role of this variant in disease. Therefore, it has been classified as a Variant of Uncertain Significance. Experimental studies and prediction algorithms are not available or were not evaluated, and the functional significance of this variant is currently unknown. This variant has not been reported in the literature in individuals affected with PLEC-related conditions. This variant is present in population databases (rs782781870, gnomAD 0.003%).